The following is an entry in ClinVar:

NM_000051.4(ATM):c.6452+8G>A

Genes: ATM (ATM serine/threonine kinase; plus strand), C11orf65 (chromosome 11 open reading frame 65; minus strand). Cytogenetic location: 11q22.3.
Variant type: single nucleotide variant.
Coding change: c.6452+8G>A on transcript NM_000051.4 (MANE Select); 8 bases into the intron after coding-DNA position 6452, G replaced by A.
Molecular consequence: intron variant.
Genome position (GRCh38, 1-based): chr11:108,320,066, G>A. VCF-style: chr11-108320066-G-A. GRCh37 (hg19) VCF-style: chr11-108190793-G-A.
Other names: c.6452+8G>A (NM_001351834.2); c.641-10995C>T (NM_001330368.2); c.*39-10995C>T (NM_001351110.2).
Identifiers: ClinVar variation 1139209 (VCV001139209.10), dbSNP rs2136223026, ClinGen allele CA2499220686.

ClinVar aggregate classification (germline): Likely benign. Review status: criteria provided, multiple submitters, no conflicts (2 of 4 stars). 2 submissions from 2 submitters: Likely benign (2). Last evaluated 2024-12-04.

Conditions:
Familial cancer of breast. Also called: Hereditary breast cancer; hereditary breast carcinoma; BREAST CANCER, FAMILIAL. Identifiers: Orphanet 227535, MedGen C0346153, MONDO:0016419, OMIM 114480. Disease mechanism: loss of function.
Ataxia-telangiectasia syndrome (AT). Also called: Ataxia telangiectasia (A-T); ATAXIA-TELANGIECTASIA, COMPLEMENTATION GROUP A; ATAXIA-TELANGIECTASIA, FRESNO VARIANT; Ataxia-telangiectasia; Ataxia-telangiectasia, complementation group E; LOUIS-BAR SYNDROME. Identifiers: Orphanet 100, MedGen C0004135, MONDO:0008840, OMIM 208900.

Submissions (2):

Labcorp Genetics (formerly Invitae), Labcorp
Classification: Likely benign for Ataxia-telangiectasia syndrome. Last evaluated: 2024-12-04. Review status: criteria provided, single submitter. Criteria: Invitae Variant Classification Sherloc (09022015). Collection method: clinical testing. Allele origin: germline.

Myriad Genetics, Inc.
Classification: Likely benign for Familial cancer of breast. Last evaluated: 2024-06-06. Review status: criteria provided, single submitter. Criteria: Myriad Autosomal Dominant, Autosomal Recessive and X-Linked Classification Criteria (2023). Collection method: clinical testing. Allele origin: unknown.
Comment: This variant is considered likely benign. This variant is intronic and is not expected to impact mRNA splicing.